The following is an entry in ClinVar:

ClinVar aggregate classification (germline): Uncertain significance (1 of 4 stars; one submission).

Conditions:
Inborn genetic diseases. Identifiers: MedGen C0950123, MeSH D030342.

Submission:

Ambry Genetics
Classification: Uncertain significance for Inborn genetic diseases. Last evaluated: 2025-10-02. Review status: criteria provided, single submitter. Criteria: Ambry Variant Classification Scheme 2023. Collection method: clinical testing. Allele origin: germline.
Comment: The p.R1173T variant (also known as c.3518G>C), located in coding exon 1 of the SAMD9 gene, results from a G to C substitution at nucleotide position 3518. The arginine at codon 1173 is replaced by threonine, an amino acid with similar properties. This amino acid position is conserved. In addition, this alteration is predicted to be tolerated by in silico analysis. Based on the available evidence, the clinical significance of this variant remains unclear.

NM_017654.4(SAMD9):c.3518G>C (p.Arg1173Thr)

Gene: SAMD9 (sterile alpha motif domain containing 9; minus strand). Cytogenetic location: 7q21.2.
Variant type: single nucleotide variant.
Coding change: c.3518G>C on transcript NM_017654.4 (MANE Select); coding-DNA position 3518, G replaced by C.
Protein change: p.Arg1173Thr; replaces arginine 1173 with threonine.
Molecular consequence: missense variant.
Genome position (GRCh38, 1-based): chr7:93,102,580, C>G on the plus strand (G>C on the coding strand, the complement: SAMD9 is on the minus strand). VCF-style: chr7-93102580-C-G. GRCh37 (hg19) VCF-style: chr7-92731893-C-G.
Other names: c.3518G>C, p.Arg1173Thr (NM_001193307.2); short protein forms R1173T.
Identifiers: ClinVar variation 4629841 (VCV004629841.1).